The following is an entry in ClinVar:

NM_016156.6(MTMR2):c.142G>C (p.Asp48His)

Gene: MTMR2 (myotubularin related protein 2; minus strand). Cytogenetic location: 11q21.
Variant type: single nucleotide variant.
Coding change: c.142G>C on transcript NM_016156.6 (MANE Select); coding-DNA position 142, G replaced by C.
Protein change: p.Asp48His; replaces aspartic acid 48 with histidine.
Molecular consequence: missense variant. On other transcripts: 5 prime UTR variant (3).
Genome position (GRCh38, 1-based): chr11:95,888,200, C>G on the plus strand (G>C on the coding strand, the complement: MTMR2 is on the minus strand). VCF-style: chr11-95888200-C-G. GRCh37 (hg19) VCF-style: chr11-95621364-C-G.
Other names: c.-271G>C (NM_001243571.2); c.-198G>C (NM_201278.3); c.-75G>C (NM_201281.3); short protein forms D48H.
Identifiers: ClinVar variation 1772474 (VCV001772474.2), dbSNP rs769537053, ClinGen allele CA382406273.
Genomic context (GRCh38, chr11:95,888,200, plus strand): 5'-AAAATAGTATACATACCCTCAAATCAGGAGAAAAGTTGTCGGCAGAAGTTGAAATGGAAT[C>G]TGATGATACAACAGAAGCTGATTTTGTATGCACTGAATTCTCTGAATGAGAAGTGGAGGC-3'
Protein context (NP_057240.3, residues 38-58): HTKSASVVSS[Asp48His]SISTSADNFS

ClinVar aggregate classification (germline): Uncertain significance (1 of 4 stars; one submission).

Conditions:
Inborn genetic diseases. Identifiers: MedGen C0950123, MeSH D030342.

Submission:

Ambry Genetics
Classification: Uncertain significance for Inborn genetic diseases. Last evaluated: 2020-02-24. Review status: criteria provided, single submitter. Criteria: Ambry Variant Classification Scheme 2023. Collection method: clinical testing. Allele origin: germline.
Comment: The p.D48H variant (also known as c.142G>C), located in coding exon 2 of the MTMR2 gene, results from a G to C substitution at nucleotide position 142. The aspartic acid at codon 48 is replaced by histidine, an amino acid with similar properties. This amino acid position is highly conserved in available vertebrate species. In addition, the in silico prediction for this alteration is inconclusive. Since supporting evidence is limited at this time, the clinical significance of this alteration remains unclear.